The following is an entry in ClinVar:

ClinVar aggregate classification (germline): Uncertain significance (1 of 4 stars; one submission).

Conditions:
DNA ligase IV deficiency. Identifiers: Orphanet 99812, MedGen C1847827, MONDO:0011686, OMIM 606593.

Submission:

Labcorp Genetics (formerly Invitae), Labcorp
Classification: Uncertain significance for DNA ligase IV deficiency. Last evaluated: 2020-06-09. Review status: criteria provided, single submitter. Criteria: Invitae Variant Classification Sherloc (09022015). Collection method: clinical testing. Allele origin: germline.
Comment: In summary, the available evidence is currently insufficient to determine the role of this variant in disease. Therefore, it has been classified as a Variant of Uncertain Significance. Algorithms developed to predict the effect of missense changes on protein structure and function are either unavailable or do not agree on the potential impact of this missense change (SIFT: "Tolerated"; PolyPhen-2: "Possibly Damaging"; Align-GVGD: "Class C0"). This variant has not been reported in the literature in individuals with LIG4-related conditions. This variant is not present in population databases (ExAC no frequency). This sequence change replaces proline with histidine at codon 566 of the LIG4 protein (p.Pro566His). The proline residue is weakly conserved and there is a moderate physicochemical difference between proline and histidine.

NM_206937.2(LIG4):c.1697C>A (p.Pro566His)

Gene: LIG4 (DNA ligase 4; minus strand). Cytogenetic location: 13q33.3.
Variant type: single nucleotide variant.
Coding change: c.1697C>A on transcript NM_206937.2 (MANE Select); coding-DNA position 1697, C replaced by A.
Protein change: p.Pro566His; replaces proline 566 with histidine.
Molecular consequence: missense variant.
Genome position (GRCh38, 1-based): chr13:108,209,572, G>T on the plus strand (C>A on the coding strand, the complement: LIG4 is on the minus strand). VCF-style: chr13-108209572-G-T. GRCh37 (hg19) VCF-style: chr13-108861920-G-T.
Other names: c.1697C>A, p.Pro566His (NM_001098268.2, NM_001352598.2, NM_001352599.2 and 6 more transcripts); c.1496C>A, p.Pro499His (NM_001330595.2); c.1733C>A, p.Pro578His (NM_001352604.2); short protein forms P499H, P566H, P578H.
Identifiers: ClinVar variation 1019173 (VCV001019173.8), dbSNP rs1481289157, ClinGen allele CA388616412.